The following is an entry in ClinVar:

NM_003073.5(SMARCB1):c.986G>A (p.Ser329Asn)

Gene: SMARCB1 (SWI/SNF related BAF chromatin remodeling complex subunit B1; plus strand). Cytogenetic location: 22q11.23.
Variant type: single nucleotide variant.
Coding change: c.986G>A on transcript NM_003073.5 (MANE Select); coding-DNA position 986, G replaced by A.
Protein change: p.Ser329Asn; replaces serine 329 with asparagine.
Molecular consequence: missense variant.
Genome position (GRCh38, 1-based): chr22:23,825,415, G>A. VCF-style: chr22-23825415-G-A. GRCh37 (hg19) VCF-style: chr22-24167602-G-A.
Other names: c.959G>A, p.Ser320Asn (NM_001007468.3); c.1013G>A, p.Ser338Asn (NM_001317946.2); c.1040G>A, p.Ser347Asn (NM_001362877.2); short protein forms S320N, S329N, S338N, S347N.
Identifiers: ClinVar variation 2131423 (VCV002131423.4), dbSNP rs2517724960, ClinGen allele CA410908358.

ClinVar aggregate classification (germline): Uncertain significance (1 of 4 stars; one submission).

Submission:

Labcorp Genetics (formerly Invitae), Labcorp
Classification: Uncertain significance. Last evaluated: 2022-04-28. Review status: criteria provided, single submitter. Criteria: Invitae Variant Classification Sherloc (09022015). Collection method: clinical testing. Allele origin: germline.
Comment: Algorithms developed to predict the effect of missense changes on protein structure and function (SIFT, PolyPhen-2, Align-GVGD) all suggest that this variant is likely to be tolerated. This variant has not been reported in the literature in individuals affected with SMARCB1-related conditions. This variant is not present in population databases (gnomAD no frequency). This sequence change replaces serine, which is neutral and polar, with asparagine, which is neutral and polar, at codon 329 of the SMARCB1 protein (p.Ser329Asn). This variant also falls at the last nucleotide of exon 7, which is part of the consensus splice site for this exon. In summary, the available evidence is currently insufficient to determine the role of this variant in disease. Therefore, it has been classified as a Variant of Uncertain Significance. Variants that disrupt the consensus splice site are a relatively common cause of aberrant splicing (PMID: 17576681, 9536098).

Literature cited by the submitters: PubMed 17576681; PubMed 9536098.